The following is an entry in ClinVar:

ClinVar aggregate classification (germline): Benign. Review status: criteria provided, multiple submitters, no conflicts (2 of 4 stars). 4 submissions from 4 submitters: Benign (4). Last evaluated 2026-02-04.

Conditions:
Mitochondrial trifunctional protein deficiency. Identifiers: Orphanet 746, MedGen C1969443, MONDO:0012172.

Allele frequency attached by ClinVar (database versions not stated): 1000 Genomes Project 30x 0.14194; 1000 Genomes Project 0.14497; TOPMed 0.16134; ESP Exome Variant Server 0.16300; gnomAD 0.17198 and 0.17377; gnomAD exomes 0.20319 and 0.21014; ExAC 0.20483.
gnomAD v4.1: 321,686 of 1,603,832 alleles (20%); highest among the groups gnomAD compares: Middle Eastern, 26%; 34,464 homozygotes.

Submissions (4):

Labcorp Genetics (formerly Invitae), Labcorp
Classification: Benign for Mitochondrial trifunctional protein deficiency. Last evaluated: 2026-02-04. Review status: criteria provided, single submitter. Criteria: Invitae Variant Classification Sherloc (09022015). Collection method: clinical testing. Allele origin: germline.

Mayo Clinic Laboratories, Mayo Clinic
Classification: Benign. Last evaluated: 2022-03-10. Review status: criteria provided, single submitter. Criteria: ACMG Guidelines, 2015. Collection method: clinical testing. Allele origin: germline. Observed: 37 variant alleles.

Illumina Laboratory Services, Illumina
Classification: Benign for Mitochondrial trifunctional protein deficiency 1. Last evaluated: 2018-01-13. Review status: criteria provided, single submitter. Criteria: ICSL Variant Classification Criteria 13 December 2019. Collection method: clinical testing. Allele origin: germline.
Comment: This variant was observed in the ICSL laboratory as part of a predisposition screen in an ostensibly healthy population. It had not been previously curated by ICSL or reported in the Human Gene Mutation Database (HGMD: prior to June 1st, 2018), and was therefore a candidate for classification through an automated scoring system. Utilizing variant allele frequency, disease prevalence and penetrance estimates, and inheritance mode, an automated score was calculated to assess if this variant is too frequent to cause the disease. Based on the score and internal cut-off values, a variant classified as benign is not then subjected to further curation. The score for this variant resulted in a classification of benign for this disease.

Breakthrough Genomics
Classification: Benign. Review status: criteria provided, single submitter. Criteria: ACMG Guidelines, 2015. Collection method: not provided. Allele origin: germline. Inheritance: Autosomal recessive inheritance. Affected: yes.

NM_000183.3(HADHB):c.1014-14A>G

Gene: HADHB (hydroxyacyl-CoA dehydrogenase trifunctional multienzyme complex subunit beta; plus strand). Cytogenetic location: 2p23.3.
Variant type: single nucleotide variant.
Coding change: c.1014-14A>G on transcript NM_000183.3 (MANE Select); 14 bases into the intron before coding-DNA position 1014, A replaced by G.
Molecular consequence: intron variant.
Genome position (GRCh38, 1-based): chr2:26,282,990, A>G. VCF-style: chr2-26282990-A-G. GRCh37 (hg19) VCF-style: chr2-26505858-A-G.
Other names: p.?; c.948-14A>G (NM_001281513.2); c.969-14A>G (NM_001281512.2).
Identifiers: ClinVar variation 137533 (VCV000137533.15), dbSNP rs17528590, ClinGen allele CA291160.